The following is an entry in ClinVar:

NM_001083962.2(TCF4):c.1069+3A>G

Gene: TCF4 (transcription factor 4; minus strand). Cytogenetic location: 18q21.2.
Variant type: single nucleotide variant.
Coding change: c.1069+3A>G on transcript NM_001083962.2 (MANE Select); 3 bases into the intron after coding-DNA position 1069, A replaced by G.
Molecular consequence: intron variant. On other transcripts: missense variant (1).
Genome position (GRCh38, 1-based): chr18:55,259,946, T>C on the plus strand (A>G on the coding strand, the complement: TCF4 is on the minus strand). VCF-style: chr18-55259946-T-C. GRCh37 (hg19) VCF-style: chr18-52927177-T-C.
Other names: c.1000A>G, p.Thr334Ala (NM_001369586.1); c.1375+3A>G (NM_001243226.3); c.994+3A>G (NM_001369584.1, NM_001369576.1, NM_001369585.1 and 3 more transcripts); c.997+3A>G (NM_001369577.1, NM_001369582.1, NM_001243227.2 and 8 more transcripts); c.1069+3A>G (NM_001369571.1, NM_001369567.1, NM_001369572.1 and 4 more transcripts); c.1087+3A>G (NM_001243228.2); c.1063+3A>G (NM_001243230.2); c.1066+3A>G (NM_001369569.1, NM_001369573.1, NM_001369570.1); and 5 more; short protein forms T334A.
Identifiers: ClinVar variation 4891368 (VCV004891368.1).
Genomic context (GRCh38, chr18:55,259,946, plus strand): 5'-GTACAAGGGGGGAATCATTCTTATAAACTGTTATATGATGAAATGGGATTTGAAATACAC[T>C]ACCTGAGAGAGATGGAGGAGAGCCAACAGGAGTTGAAGGGTTTGATGAAAAGCTGTTGTT-3'

ClinVar aggregate classification (germline): Uncertain significance (1 of 4 stars; one submission).

Submission:

GeneDx
Classification: Uncertain significance. Last evaluated: 2026-02-19. Review status: criteria provided, single submitter. Criteria: GeneDx Variant Classification Process June 2021. Collection method: clinical testing. Allele origin: germline.
Comment: Not observed at significant frequency in large population cohorts (gnomAD); In silico analysis supports a deleterious effect on splicing; Has not been previously published as pathogenic or benign to our knowledge